The following is an entry in ClinVar:

ClinVar aggregate classification (germline): Uncertain significance. Review status: criteria provided, multiple submitters, no conflicts (2 of 4 stars). 2 submissions from 2 submitters: Uncertain significance (2). Last evaluated 2026-03-15.

Conditions:
Cardiovascular phenotype. Identifiers: MedGen CN230736.
Familial hypobetalipoproteinemia 1. Also called: APOB-Related Familial Hypobetalipoproteinemia; Hypobetalipoproteinemia, normotriglyceridemic; Acanthocytosis with hypobetalipoproteinemia. Identifiers: MedGen C4551990, MONDO:0014252, OMIM 615558.
Hypercholesterolemia, autosomal dominant, type B (FHCL2). Also called: Familial hypercholesterolemia 2; Familial Hypercholesterolemia Type B; APOLIPOPROTEIN B-100, FAMILIAL DEFECTIVE; APOLIPOPROTEIN B-100, FAMILIAL LIGAND-DEFECTIVE; APOB-Related Familial Hypercholesterolemia, Autosomal Dominant; HYPERCHOLESTEROLEMIA, FAMILIAL, DUE TO LIGAND-DEFECTIVE APOLIPOPROTEIN B. Identifiers: MedGen C1704417, MONDO:0007751, OMIM 144010.

Submissions (2):

Ambry Genetics
Classification: Uncertain significance for Cardiovascular phenotype. Last evaluated: 2026-03-15. Review status: criteria provided, single submitter. Criteria: Ambry Variant Classification Scheme 2023. Collection method: clinical testing. Allele origin: germline.
Comment: The p.D208E variant (also known as c.624C>A), located in coding exon 6 of the APOB gene, results from a C to A substitution at nucleotide position 624. The aspartic acid at codon 208 is replaced by glutamic acid, an amino acid with highly similar properties. This amino acid position is conserved. In addition, this alteration is predicted to be tolerated by in silico analysis. Based on the available evidence, the clinical significance of this variant remains unclear.

Labcorp Genetics (formerly Invitae), Labcorp
Classification: Uncertain significance for Familial hypobetalipoproteinemia 1; Hypercholesterolemia, autosomal dominant, type B. Last evaluated: 2022-02-05. Review status: criteria provided, single submitter. Criteria: Invitae Variant Classification Sherloc (09022015). Collection method: clinical testing. Allele origin: germline.
Comment: This sequence change replaces aspartic acid, which is acidic and polar, with glutamic acid, which is acidic and polar, at codon 208 of the APOB protein (p.Asp208Glu). This variant is not present in population databases (gnomAD no frequency). This variant has not been reported in the literature in individuals affected with APOB-related conditions. Algorithms developed to predict the effect of missense changes on protein structure and function are either unavailable or do not agree on the potential impact of this missense change (SIFT: "Deleterious"; PolyPhen-2: "Benign"; Align-GVGD: "Class C0"). In summary, the available evidence is currently insufficient to determine the role of this variant in disease. Therefore, it has been classified as a Variant of Uncertain Significance.

NM_000384.3(APOB):c.624C>A (p.Asp208Glu)

Gene: APOB (apolipoprotein B; minus strand). Cytogenetic location: 2p24.1.
Variant type: single nucleotide variant.
Coding change: c.624C>A on transcript NM_000384.3 (MANE Select); coding-DNA position 624, C replaced by A.
Protein change: p.Asp208Glu; replaces aspartic acid 208 with glutamic acid.
Molecular consequence: missense variant.
Genome position (GRCh38, 1-based): chr2:21,037,169, G>T on the plus strand (C>A on the coding strand, the complement: APOB is on the minus strand). VCF-style: chr2-21037169-G-T. GRCh37 (hg19) VCF-style: chr2-21260041-G-T.
Other names: c.624C>A (NM_000384.2); short protein forms D208E.
Identifiers: ClinVar variation 2193461 (VCV002193461.5), dbSNP rs1276108053, ClinGen allele CA345961820.